The following is an entry in ClinVar:

ClinVar aggregate classification (germline): Pathogenic (1 of 4 stars; one submission).

Conditions:
Baller-Gerold syndrome (BGS). Also called: CRANIOSYNOSTOSIS WITH RADIAL DEFECTS. Identifiers: Orphanet 1225, MedGen C0265308, MONDO:0009039, OMIM 218600.

Submission:

Labcorp Genetics (formerly Invitae), Labcorp
Classification: Pathogenic for Baller-Gerold syndrome. Last evaluated: 2022-04-18. Review status: criteria provided, single submitter. Criteria: Invitae Variant Classification Sherloc (09022015). Collection method: clinical testing. Allele origin: germline.
Comment: For these reasons, this variant has been classified as Pathogenic. This variant has not been reported in the literature in individuals affected with RECQL4-related conditions. This variant is not present in population databases (gnomAD no frequency). This sequence change creates a premature translational stop signal (p.Lys154Serfs*3) in the RECQL4 gene. It is expected to result in an absent or disrupted protein product. Loss-of-function variants in RECQL4 are known to be pathogenic (PMID: 12734318, 12952869).

Literature cited by the submitters: PubMed 12734318; PubMed 12952869.

NM_004260.4(RECQL4):c.461_462del (p.Lys154fs)

Gene: RECQL4 (RecQ like helicase 4; minus strand). Cytogenetic location: 8q24.3.
Variant type: Deletion.
Coding change: c.461_462del on transcript NM_004260.4 (MANE Select); coding-DNA positions 461 to 462, 2 bases deleted (AA; older notation c.461_462delAA).
Protein change: p.Lys154fs; shifts the reading frame from lysine 154.
Molecular consequence: frameshift variant.
Genome position (GRCh38, 1-based): chr8:144,516,657-144,516,658, TT deleted on the plus strand (AA on the coding strand, the reverse complement: RECQL4 is on the minus strand); deleting any 2 consecutive bases within chr8:144,516,657-144,516,661 gives the same sequence; the c. name uses the placement nearest the transcript's 3' end. VCF-style (leftmost placement, unchanged base first): chr8-144516656-CTT-C. GRCh37 (hg19) VCF-style: chr8-145742040-CTT-C.
Other names: c.458_459delAA, p.Lys154Serfs (NM_001413017.1, NM_001413018.1, NM_001413019.1 and 4 more transcripts); c.-614_-613delAA (NM_001413024.1, NM_001413022.1, NM_001413023.1 and 5 more transcripts); c.329_330delAA, p.Lys111Serfs (NM_001413025.1); c.-676_-675delAA (NM_001413027.1, NM_001413030.1, NM_001413031.1 and 2 more transcripts); c.-518_-517delAA (NM_001413034.1); c.-883_-882delAA (NM_001413043.1); short protein forms K154fs.
Identifiers: ClinVar variation 2127523 (VCV002127523.4), dbSNP rs2130728478, ClinGen allele CA2580078760.